The following is an entry in ClinVar:

NC_000015.10:g.26816409G>A

Gene: GABRB3 (gamma-aminobutyric acid type A receptor subunit beta3; minus strand). Cytogenetic location: 15q12.
Variant type: single nucleotide variant.
Genome position: GRCh38 VCF-style: chr15-26816409-G-A. GRCh37 (hg19) VCF-style: chr15-27061556-G-A.
Identifiers: ClinVar variation 4534210 (VCV004534210.6).

ClinVar aggregate classification (germline): Benign (1 of 4 stars; one submission).

Submission:

CeGaT Center for Human Genetics Tuebingen
Classification: Benign. Last evaluated: 2026-08-01. Review status: criteria provided, single submitter. Criteria: CeGaT Center For Human Genetics Tuebingen Variant Classification Criteria Version 2. Collection method: clinical testing. Allele origin: germline. Affected: yes. Observed: 4 variant alleles.
Comment: GABRB3: PP2, BP4, BS1, BS2